The following is an entry in ClinVar:

NM_007050.6(PTPRT):c.821G>T (p.Gly274Val)

Gene: PTPRT (protein tyrosine phosphatase receptor type T; minus strand). Cytogenetic location: 20q12.
Variant type: single nucleotide variant.
Coding change: c.821G>T on transcript NM_007050.6 (MANE Select); coding-DNA position 821, G replaced by T.
Protein change: p.Gly274Val; replaces glycine 274 with valine.
Molecular consequence: missense variant.
Genome position (GRCh38, 1-based): chr20:42,756,500, C>A on the plus strand (G>T on the coding strand, the complement: PTPRT is on the minus strand). VCF-style: chr20-42756500-C-A. GRCh37 (hg19) VCF-style: chr20-41385140-C-A.
Other names: c.821G>T, p.Gly274Val (NM_133170.4, NM_001394024.1, NM_001394025.1 and 1 more transcripts); short protein forms G274V.
Identifiers: ClinVar variation 4279915 (VCV004279915.1).

ClinVar aggregate classification (germline): Uncertain significance (1 of 4 stars; one submission).

Conditions:
PTPRT-associated neurodevelopmental disorder.

gnomAD v4.1: 1 of 1,605,852 alleles (0.000062%); no homozygotes.

Submission:

Clinical Genomics Laboratory, Washington University in St. Louis
Classification: Uncertain significance for PTPRT-associated neurodevelopmental disorder. Last evaluated: 2025-09-05. Review status: criteria provided, single submitter. Criteria: ACMG Guidelines, 2015. Collection method: clinical testing. Allele origin: germline.
Comment: The PTPRT c.821G>T (p.Gly274Val) variant, to our knowledge, has not been reported in the medical literature. This variant is absent from the general population (gnomAD v2.1.1), indicating it is not a common variant. Computational predictors indicate that the variant is damaging, evidence that correlates with impact to PTPRT function. Due to limited information, the clinical significance of this variant is uncertain.